The following is an entry in ClinVar:

NM_000203.5(IDUA):c.452_453del (p.Glu151fs)

Gene: IDUA (alpha-L-iduronidase; plus strand). Cytogenetic location: 4p16.3.
Variant type: Deletion.
Coding change: c.452_453del on transcript NM_000203.5 (MANE Select); coding-DNA positions 452 to 453, 2 bases deleted (AG; older notation c.452_453delAG).
Protein change: p.Glu151fs; shifts the reading frame from glutamic acid 151.
Molecular consequence: frameshift variant. On other transcripts: non-coding transcript variant (1).
Genome position (GRCh38, 1-based): chr4:1,000,948-1,000,949, AG deleted; deleting any 2 consecutive bases within chr4:1,000,947-1,000,949 gives the same sequence; the c. name uses the placement nearest the transcript's 3' end. VCF-style (leftmost placement, unchanged base first): chr4-1000946-TGA-T. GRCh37 (hg19) VCF-style: chr4-994734-TGA-T.
Other names: c.56_57del, p.Glu19fs (NM_001363576.1); short protein forms E151fs, E19fs.
Identifiers: ClinVar variation 1724215 (VCV001724215.2), dbSNP rs2534079401, ClinGen allele CA2580070644.
Genomic context (GRCh38, chr4:1,000,946, plus strand): 5'-TGAGCTGATGGGCAGCGCCTCGGGCCACTTCACTGACTTTGAGGACAAGCAGCAGGTGTT[TGA>T]GTGGAAGGACTTGGTCTCCAGCCTGGCCAGGAGATACATCGGTGGGCGAGCGCAGGCCCT-3'

ClinVar aggregate classification (germline): Likely pathogenic (1 of 4 stars; one submission).

Conditions:
Mucopolysaccharidosis, MPS-I-H/S. Also called: Mucopolysaccharidosis type IH/S. Identifiers: Orphanet 93476, MedGen C0086431, MONDO:0011759, OMIM 607015.

Submission:

Myriad Genetics, Inc.
Classification: Likely pathogenic for Mucopolysaccharidosis, MPS-I-H/S. Last evaluated: 2022-02-02. Review status: criteria provided, single submitter. Criteria: Myriad Women's Health Autosomal Recessive and X-Linked Classification Criteria (2021). Collection method: clinical testing. Allele origin: unknown.
Comment: NM_000203.3(IDUA):c.452_453delAG(E151Vfs*15) is expected to be pathogenic in the context of mucopolysaccharidosis type I. This variant is predicted to lead to an abnormal or absent protein product due to the creation of a premature termination codon in IDUA, a gene where loss-of-function variants are known to be pathogenic. Please note: this variant was assessed in the context of healthy population screening.